The following is an entry in ClinVar:

NM_030665.4(RAI1):c.4836_4846delinsCAGGGCGCA (p.Val1613fs)

Gene: RAI1 (retinoic acid induced 1; plus strand). Cytogenetic location: 17p11.2.
Variant type: Indel.
Coding change: c.4836_4846delinsCAGGGCGCA on transcript NM_030665.4 (MANE Select); coding-DNA positions 4836 to 4846, TGTTGTCAACT replaced by CAGGGCGCA.
Protein change: p.Val1613fs; shifts the reading frame from valine 1613.
Molecular consequence: frameshift variant.
Genome position (GRCh38, 1-based): chr17:17,797,784-17,797,794, TGTTGTCAACT replaced by CAGGGCGCA. VCF-style: chr17-17797784-TGTTGTCAACT-CAGGGCGCA. GRCh37 (hg19) VCF-style: chr17-17701098-TGTTGTCAACT-CAGGGCGCA.
Other names: short protein forms V1613fs.
Identifiers: ClinVar variation 4991957 (VCV004991957.1).

ClinVar aggregate classification (germline): Likely pathogenic (1 of 4 stars; one submission).

Conditions:
RAI1-related disorder. Also called: RAI1-related condition.

Submission:

PreventionGenetics, part of Exact Sciences
Classification: Likely pathogenic for RAI1-related condition. Last evaluated: 2025-12-28. Review status: criteria provided, single submitter. Criteria: ACMG Guidelines, 2015. Collection method: clinical testing. Allele origin: germline.
Comment: The RAI1 c.4836_4846delinsCAGGGCGCA variant is predicted to result in a frameshift and premature protein termination (p.Val1613Argfs*96). To our knowledge, this variant has not been reported in the literature or in a large population database (gnomAD), indicating this variant is rare. Frameshift variants in RAI1 are expected to be pathogenic. This variant is interpreted as likely pathogenic.